The following is an entry in ClinVar:

ClinVar aggregate classification (germline): Uncertain significance (1 of 4 stars; one submission).

Allele frequency attached by ClinVar (database versions not stated): gnomAD 0.00001; ExAC 0.00002; gnomAD exomes 0.00002 and 0.00004; TOPMed 0.00003; ESP Exome Variant Server 0.00015.

Submission:

Labcorp Genetics (formerly Invitae), Labcorp
Classification: Uncertain significance. Last evaluated: 2025-04-28. Review status: criteria provided, single submitter. Criteria: Invitae Variant Classification Sherloc (09022015). Collection method: clinical testing. Allele origin: germline.
Comment: This sequence change replaces glutamine, which is neutral and polar, with arginine, which is basic and polar, at codon 133 of the GUF1 protein (p.Gln133Arg). This variant is present in population databases (rs139383546, gnomAD 0.006%). This variant has not been reported in the literature in individuals affected with GUF1-related conditions. ClinVar contains an entry for this variant (Variation ID: 1377607). Invitae Evidence Modeling of protein sequence and biophysical properties (such as structural, functional, and spatial information, amino acid conservation, physicochemical variation, residue mobility, and thermodynamic stability) indicates that this missense variant is not expected to disrupt GUF1 protein function with a negative predictive value of 80%. In summary, the available evidence is currently insufficient to determine the role of this variant in disease. Therefore, it has been classified as a Variant of Uncertain Significance.

NM_021927.3(GUF1):c.398A>G (p.Gln133Arg)

Gene: GUF1 (GTP binding elongation factor GUF1; plus strand). Cytogenetic location: 4p12.
Variant type: single nucleotide variant.
Coding change: c.398A>G on transcript NM_021927.3 (MANE Select); coding-DNA position 398, A replaced by G.
Protein change: p.Gln133Arg; replaces glutamine 133 with arginine.
Molecular consequence: missense variant. On other transcripts: 5 prime UTR variant (2).
Genome position (GRCh38, 1-based): chr4:44,680,814, A>G. VCF-style: chr4-44680814-A-G. GRCh37 (hg19) VCF-style: chr4-44682831-A-G.
Other names: c.-571A>G (NM_001345867.2); c.398A>G, p.Gln133Arg (NM_001345868.2); c.-575A>G (NM_001345869.2); short protein forms Q133R.
Identifiers: ClinVar variation 1377607 (VCV001377607.6), dbSNP rs139383546, ClinGen allele CA2905270.